The following is an entry in ClinVar:

ClinVar aggregate classification (germline): Uncertain significance (1 of 4 stars; one submission).

gnomAD v4.1: 1 of 1,209,805 alleles (0.000083%); highest among the groups gnomAD compares: Non-Finnish European, 0.00011%; no homozygotes.

Submission:

CeGaT Center for Human Genetics Tuebingen
Classification: Uncertain significance. Last evaluated: 2022-03-01. Review status: criteria provided, single submitter. Criteria: CeGaT Center For Human Genetics Tuebingen Variant Classification Criteria Version 2. Collection method: clinical testing. Allele origin: germline. Affected: yes. Observed: 1 variant allele.
Comment: RBMX: PM2, BP4, BP5

NM_002139.4(RBMX):c.656+5T>C

Gene: RBMX (RNA binding motif protein X-linked; minus strand). Cytogenetic location: Xq26.3.
Variant type: single nucleotide variant.
Coding change: c.656+5T>C on transcript NM_002139.4 (MANE Select); 5 bases into the intron after coding-DNA position 656, T replaced by C.
Molecular consequence: intron variant.
Genome position (GRCh38, 1-based): chrX:136,875,466, A>G on the plus strand (T>C on the coding strand, the complement: RBMX is on the minus strand). VCF-style: chrX-136875466-A-G. GRCh37 (hg19) VCF-style: chrX-135957625-A-G.
Other names: c.331+5T>C (NM_001164803.2).
Identifiers: ClinVar variation 1676185 (VCV001676185.33), dbSNP rs2148710863, ClinGen allele CA2573159260.